The following is an entry in ClinVar:

ClinVar aggregate classification (germline): Likely pathogenic (1 of 4 stars; one submission).

Conditions:
MHC class II deficiency. Also called: BLS, TYPE II; Bare lymphocyte syndrome 2. Identifiers: Orphanet 572, MedGen C5447452, MONDO:0008855.

Submission:

Natera, Inc.
Classification: Likely pathogenic for Bare lymphocyte syndrome type II. Last evaluated: 2024-06-26. Review status: criteria provided, single submitter. Criteria: Natera Variant Classification Schema (03/2026). Collection method: clinical testing. Allele origin: germline.
Comment: The c.14_34delinsA variant in CIITA is a frameshift variant predicted to shift the reading frame beginning at codon 5 and leads to a stop codon 28 codons downstream. This variant is expected to result in nonsense mediated decay, truncation, or a dysfunctional protein product. This variant is rare in the general population with a frequency below the threshold expected for the associated phenotype(s). Given the available evidence, this variant is classified as Likely Pathogenic.

NM_000246.4(CIITA):c.14_34delinsA (p.Ala5fs)

Genes: CIITA (class II major histocompatibility complex transactivator; plus strand), LOC130058443 (ATAC-STARR-seq lymphoblastoid active region 10394; plus strand). Cytogenetic location: 16p13.13.
Variant type: Indel.
Coding change: c.14_34delinsA on transcript NM_000246.4 (MANE Select); coding-DNA positions 14 to 34, CTCCACGCCCTGCTGGGTCCT replaced by A.
Protein change: p.Ala5fs; shifts the reading frame from alanine 5.
Molecular consequence: frameshift variant. On other transcripts: non-coding transcript variant (1).
Genome position (GRCh38, 1-based): chr16:10,877,344-10,877,364, CTCCACGCCCTGCTGGGTCCT replaced by A. VCF-style: chr16-10877344-CTCCACGCCCTGCTGGGTCCT-A. GRCh37 (hg19) VCF-style: chr16-10971201-CTCCACGCCCTGCTGGGTCCT-A.
Other names: c.14_34del21insA, p.Ala5Glufs (NM_000246.3); c.14_34delinsA, p.Ala5fs (NM_001286402.1, NM_001286403.2, NM_001379330.1 and 3 more transcripts); short protein forms A5fs.
Identifiers: ClinVar variation 4817971 (VCV004817971.1).
Genomic context (GRCh38, chr16:10,877,344, plus strand): 5'-GGGCTGCCAGACTCCGGGAGCTGCTGCCTGGCTGGGATTCCTACACAATGCGTTGCCTGG[CTCCACGCCCTGCTGGGTCCT>A]ACCTGTCAGAGCCCCAAGGTAAAAAGGCCGGGAAAGCATCTTAATTTAGCGTGCAGTCTC-3'